The following is an entry in ClinVar:

ClinVar aggregate classification (germline): Likely benign (1 of 4 stars; one submission).

Allele frequency attached by ClinVar (database versions not stated): 1000 Genomes Project 30x 0.00016; 1000 Genomes Project 0.00020; gnomAD exomes 0.00073; ESP Exome Variant Server 0.00085; gnomAD 0.00088; TOPMed 0.00089; ExAC 0.00134.
gnomAD v4.1: 1,300 of 1,610,132 alleles (0.081%); highest among the groups gnomAD compares: Middle Eastern, 0.89%; 10 homozygotes.

Submission:

CeGaT Center for Human Genetics Tuebingen
Classification: Likely benign. Last evaluated: 2022-08-01. Review status: criteria provided, single submitter. Criteria: CeGaT Center For Human Genetics Tuebingen Variant Classification Criteria Version 2. Collection method: clinical testing. Allele origin: germline. Affected: yes. Observed: 1 variant allele.
Comment: COPS3: BP4, BP7

NM_003653.4(COPS3):c.51T>C (p.Ala17=)

Gene: COPS3 (COP9 signalosome subunit 3; minus strand). Cytogenetic location: 17p11.2.
Variant type: single nucleotide variant.
Coding change: c.51T>C on transcript NM_003653.4 (MANE Select); coding-DNA position 51, T replaced by C.
Protein change: p.Ala17=; no amino-acid change (alanine 17 retained).
Molecular consequence: synonymous variant. On other transcripts: 5 prime UTR variant (4).
Genome position (GRCh38, 1-based): chr17:17,281,136, A>G on the plus strand (T>C on the coding strand, the complement: COPS3 is on the minus strand). VCF-style: chr17-17281136-A-G. GRCh37 (hg19) VCF-style: chr17-17184450-A-G.
Other names: c.-427T>C (NM_001316354.2); c.51T>C, p.Ala17= (NM_001316355.2); c.-21T>C (NM_001316356.2); c.-215T>C (NM_001316357.2); c.-85T>C (NM_001316358.2).
Identifiers: ClinVar variation 2647519 (VCV002647519.24), dbSNP rs138748869, ClinGen allele CA8416932.